The following is an entry in ClinVar:

NM_014946.4(SPAST):c.199_202delinsATCC (p.Val67_Ala68delinsIlePro)

Gene: SPAST (spastin; plus strand). Cytogenetic location: 2p22.3.
Variant type: Indel.
Coding change: c.199_202delinsATCC on transcript NM_014946.4 (MANE Select); coding-DNA positions 199 to 202, GTCG replaced by ATCC.
Protein change: p.Val67_Ala68delinsIlePro.
Molecular consequence: missense variant.
Genome position (GRCh38, 1-based): chr2:32,064,030-32,064,033, GTCG replaced by ATCC. VCF-style: chr2-32064030-GTCG-ATCC. GRCh37 (hg19) VCF-style: chr2-32289099-GTCG-ATCC.
Other names: c.199_202delinsATCC, p.Val67_Ala68delinsIlePro (NM_001363823.2, NM_001363875.2, NM_001377959.1 and 1 more transcripts).
Identifiers: ClinVar variation 582159 (VCV000582159.2), dbSNP rs1558605777, ClinGen allele CA891842788.

ClinVar aggregate classification (germline): Uncertain significance (1 of 4 stars; one submission).

Conditions:
Hereditary spastic paraplegia 4. Also called: Familial spastic paraplegia autosomal dominant 2; Spastic paraplegia 4, autosomal dominant; Spastic Paraplegia 4. Identifiers: Orphanet 100985, MedGen C1866855, MONDO:0008438, OMIM 182601.

Submission:

Labcorp Genetics (formerly Invitae), Labcorp
Classification: Uncertain significance for Hereditary spastic paraplegia 4. Last evaluated: 2018-05-15. Review status: criteria provided, single submitter. Criteria: Invitae Variant Classification Sherloc (09022015). Collection method: clinical testing. Allele origin: germline.
Comment: In summary, the available evidence is currently insufficient to determine the role of this variant in disease. Therefore, it has been classified as a Variant of Uncertain Significance. Experimental studies and prediction algorithms are not available for this variant, and the functional significance of the disrupted amino acid(s) is currently unknown. This variant has not been reported in the literature in individuals with SPAST-related disease. This variant is not present in population databases (ExAC no frequency). This variant, c.199_202delinsATCC, results in the deletion and insertion of two amino acids to the SPAST protein (p.Val67_Ala68delinsIlePro), but otherwise preserves the integrity of the reading frame.